The following is an entry in ClinVar:

ClinVar aggregate classification (germline): Uncertain significance (1 of 4 stars; one submission).

Conditions:
Inborn genetic diseases. Identifiers: MedGen C0950123, MeSH D030342.

Submission:

Ambry Genetics
Classification: Uncertain significance for Inborn genetic diseases. Last evaluated: 2025-03-05. Review status: criteria provided, single submitter. Criteria: Ambry Variant Classification Scheme 2023. Collection method: clinical testing. Allele origin: germline.
Comment: The p.T1024I variant (also known as c.3071C>T), located in coding exon 13 of the ASXL1 gene, results from a C to T substitution at nucleotide position 3071. The threonine at codon 1024 is replaced by isoleucine, an amino acid with similar properties. This amino acid position is conserved. In addition, this alteration is predicted to be tolerated by in silico analysis. Based on the available evidence, the clinical significance of this variant remains unclear.

NM_015338.6(ASXL1):c.3071C>T (p.Thr1024Ile)

Gene: ASXL1 (ASXL transcriptional regulator 1; plus strand). Cytogenetic location: 20q11.21.
Variant type: single nucleotide variant.
Coding change: c.3071C>T on transcript NM_015338.6 (MANE Select); coding-DNA position 3071, C replaced by T.
Protein change: p.Thr1024Ile; replaces threonine 1024 with isoleucine.
Molecular consequence: missense variant.
Genome position (GRCh38, 1-based): chr20:32,435,783, C>T. VCF-style: chr20-32435783-C-T. GRCh37 (hg19) VCF-style: chr20-31023586-C-T.
Other names: c.2888C>T, p.Thr963Ile (NM_001363734.1); short protein forms T963I, T1024I.
Identifiers: ClinVar variation 3794057 (VCV003794057.1).
Genomic context (GRCh38, chr20:32,435,783, plus strand): 5'-ACTTTGAAGGTCACCTCACGGAGGACAGCAGTGAGGCTGACACTAGAGAAGCTGCAGTGA[C>T]AAAGGGATCTTCGGTGGACAAGGATGAGAAACCCAATTGGAACCAATCTGCCCCACTGTC-3'
Protein context (NP_056153.2, residues 1014-1034): SEADTREAAV[Thr1024Ile]KGSSVDKDEK